The following is an entry in ClinVar:

ClinVar aggregate classification (germline): Conflicting classifications of pathogenicity. Review status: criteria provided, conflicting classifications (1 of 4 stars). 4 submissions from 4 submitters: Uncertain significance (2); Likely benign (2). Last evaluated 2025-12-20.

Conditions:
Lethal Kniest-like syndrome (DDSH). Also called: Dyssegmental Dysplasia. Identifiers: Orphanet 1865, MedGen C1857100, MONDO:0009140, OMIM 224410.

Allele frequency attached by ClinVar (database versions not stated): 1000 Genomes Project 30x 0.00016; ExAC 0.00017; gnomAD exomes 0.00017 and 0.00047; 1000 Genomes Project 0.00020; ESP Exome Variant Server 0.00023; gnomAD 0.00023 and 0.00024; TOPMed 0.00029.

Submissions (4):

Labcorp Genetics (formerly Invitae), Labcorp
Classification: Likely benign. Last evaluated: 2025-12-20. Review status: criteria provided, single submitter. Criteria: Invitae Variant Classification Sherloc (09022015). Collection method: clinical testing. Allele origin: germline.

Blueprint Genetics
Classification: Likely benign. Last evaluated: 2023-07-13. Review status: criteria provided, single submitter. Criteria: ACMG Guidelines, 2015. Collection method: clinical testing. Allele origin: germline.

Revvity Omics, Revvity
Classification: Uncertain significance. Last evaluated: 2021-11-16. Review status: criteria provided, single submitter. Criteria: ACMG Guidelines, 2015. Collection method: clinical testing. Allele origin: germline.

Baylor Genetics
Classification: Uncertain significance for Lethal Kniest-like syndrome. Last evaluated: 2018-01-26. Review status: criteria provided, single submitter. Criteria: ACMG Guidelines, 2015. Collection method: clinical testing. Allele origin: unknown. Affected: yes.
Comment: This variant was determined to be of uncertain significance according to ACMG Guidelines, 2015 [PMID:25741868].

NM_005529.7(HSPG2):c.8025+20C>T

Gene: HSPG2 (heparan sulfate proteoglycan 2; minus strand). Cytogenetic location: 1p36.12.
Variant type: single nucleotide variant.
Coding change: c.8025+20C>T on transcript NM_005529.7 (MANE Select); 20 bases into the intron after coding-DNA position 8025, C replaced by T.
Molecular consequence: intron variant.
Genome position (GRCh38, 1-based): chr1:21,847,669, G>A on the plus strand (C>T on the coding strand, the complement: HSPG2 is on the minus strand). VCF-style: chr1-21847669-G-A. GRCh37 (hg19) VCF-style: chr1-22174162-G-A.
Other names: c.8028+20C>T (NM_001291860.2).
Identifiers: ClinVar variation 1031544 (VCV001031544.15), dbSNP rs146363738, ClinGen allele CA670970.